The following is an entry in ClinVar:

NM_000158.3:c.314_992+1del

Gene: GBE1 (1,4-alpha-glucan branching enzyme 1; minus strand).
Variant type: Deletion.
Identifiers: ClinVar variation 3767255 (VCV003767255.1).

ClinVar aggregate classification (germline): Uncertain significance (1 of 4 stars; one submission).

Conditions:
Adult polyglucosan body disease (APBN). Also called: GBE1-Adult Polyglucosan Body Disease; POLYGLUCOSAN BODY DISEASE, ADULT FORM. Identifiers: Orphanet 206583, MedGen C1849722, MONDO:0009897, OMIM 263570.

Submission:

Department of Traditional Chinese Medicine, Fujian Provincial Hospital
Classification: Uncertain significance for Adult polyglucosan body disease. Review status: criteria provided, single submitter. Criteria: ACMG Guidelines, 2015. Collection method: research. Allele origin: unknown.
Comment: A similar mutation has been reported previously by Chen et al. (PMID: 38764721). According to the ACMG standards, this mutation is classified as of uncertain significance: PM2_supporting (frequency recorded in MtDB and MITOMAP databases <0.00002 (0.002%, 1/50,000)) + PM4 (protein length change due to insertion/deletion or loss of stop codon in non-repetitive regions) + PP4 (the phenotype or family history of variant carriers strongly aligns with a certain monogenic inherited disease). Therefore, we classified it as uncertain significance.

Literature cited by the submitters: PubMed 38764721.